The following is an entry in ClinVar:

ClinVar aggregate classification (germline): Likely pathogenic (1 of 4 stars; one submission).

Conditions:
Au-Kline syndrome. Also called: Neurodevelopmental disorder-craniofacial dysmorphism-cardiac defect-hip dysplasia syndrome due to a point mutation; Okamoto syndrome. Identifiers: Orphanet 2729, Orphanet 453499, Orphanet 453504, MedGen C4225274, MONDO:0014700, OMIM 616580.

Submission:

3billion
Classification: Likely pathogenic for Au-Kline syndrome. Last evaluated: 2023-12-12. Review status: criteria provided, single submitter. Criteria: ACMG Guidelines, 2015. Collection method: clinical testing. Allele origin: germline. Affected: yes.
Comment: The variant is not observed in the gnomAD v2.1.1 dataset. Predicted Consequence/Location: Stop-gained (nonsense): predicted to result in a loss or disruption of normal protein function through nonsense-mediated decay (NMD) or protein truncation. Multiple pathogenic variants are reported downstream of the variant. Therefore, this variant is classified as Likely pathogenic according to the recommendation of ACMG/AMP guideline.

NM_031263.4(HNRNPK):c.999del (p.Arg332_Tyr333insTer)

Gene: HNRNPK (heterogeneous nuclear ribonucleoprotein K; minus strand). Cytogenetic location: 9q21.32.
Variant type: Deletion.
Coding change: c.999del on transcript NM_031263.4 (MANE Select); coding-DNA position 999, one base deleted (C; older notation c.999delC).
Protein change: p.Arg332_Tyr333insTer.
Molecular consequence: nonsense.
Genome position (GRCh38, 1-based): chr9:83,971,681, G deleted on the plus strand (C on the coding strand, the reverse complement: HNRNPK is on the minus strand). VCF-style (leftmost placement, unchanged base first): chr9-83971680-CG-C. GRCh37 (hg19) VCF-style: chr9-86586595-CG-C.
Other names: c.927del, p.Arg308_Tyr309insTer (NM_001318186.2, NM_001318187.2); c.999del, p.Arg332_Tyr333insTer (NM_001318188.2, NM_002140.5, NM_031262.4).
Identifiers: ClinVar variation 3775859 (VCV003775859.1).